The following is an entry in ClinVar:

NM_032608.7(MYO18B):c.7081A>C (p.Met2361Leu)

Gene: MYO18B (myosin XVIIIB; plus strand). Cytogenetic location: 22q12.1.
Variant type: single nucleotide variant.
Coding change: c.7081A>C on transcript NM_032608.7 (MANE Select); coding-DNA position 7081, A replaced by C.
Protein change: p.Met2361Leu; replaces methionine 2361 with leucine.
Molecular consequence: missense variant.
Genome position (GRCh38, 1-based): chr22:26,027,055, A>C. VCF-style: chr22-26027055-A-C. GRCh37 (hg19) VCF-style: chr22-26423021-A-C.
Other names: c.7084A>C, p.Met2362Leu (NM_001318245.2); short protein forms M2361L, M2362L.
Identifiers: ClinVar variation 1416451 (VCV001416451.7), dbSNP rs374438402, ClinGen allele CA10161683.

ClinVar aggregate classification (germline): Uncertain significance (1 of 4 stars; one submission).

gnomAD v4.1: 4 of 1,614,002 alleles (0.00025%); highest among the groups gnomAD compares: African/African-American, 0.0027%; no homozygotes.

Submission:

Labcorp Genetics (formerly Invitae), Labcorp
Classification: Uncertain significance. Last evaluated: 2024-07-06. Review status: criteria provided, single submitter. Criteria: Invitae Variant Classification Sherloc (09022015). Collection method: clinical testing. Allele origin: germline.
Comment: This sequence change replaces methionine, which is neutral and non-polar, with leucine, which is neutral and non-polar, at codon 2361 of the MYO18B protein (p.Met2361Leu). This variant is present in population databases (rs374438402, gnomAD 0.007%). This variant has not been reported in the literature in individuals affected with MYO18B-related conditions. ClinVar contains an entry for this variant (Variation ID: 1416451). Algorithms developed to predict the effect of missense changes on protein structure and function output the following: SIFT: "Not Available"; PolyPhen-2: "Benign"; Align-GVGD: "Not Available". The leucine amino acid residue is found in multiple mammalian species, which suggests that this missense change does not adversely affect protein function. In summary, the available evidence is currently insufficient to determine the role of this variant in disease. Therefore, it has been classified as a Variant of Uncertain Significance.